The following is an entry in ClinVar:

NM_198525.3(KIF7):c.3248dup (p.Asn1083fs)

Gene: KIF7 (kinesin family member 7; minus strand). Cytogenetic location: 15q26.1.
Variant type: Duplication.
Coding change: c.3248dup on transcript NM_198525.3 (MANE Select); coding-DNA position 3248, one base duplicated (A; older notation c.3248dupA).
Protein change: p.Asn1083fs; shifts the reading frame from asparagine 1083.
Molecular consequence: frameshift variant.
Genome position (GRCh38, 1-based): chr15:89,630,357, T duplicated on the plus strand (A on the coding strand, the reverse complement: KIF7 is on the minus strand); the first of 2 consecutive T bases (chr15:89,630,357-89,630,358); duplicating either gives the same sequence. VCF-style (leftmost placement, unchanged base first): chr15-89630356-G-GT. GRCh37 (hg19) VCF-style: chr15-90173587-G-GT.
Other names: short protein forms N1083fs.
Identifiers: ClinVar variation 1387829 (VCV001387829.6), dbSNP rs1236798408, ClinGen allele CA2573151362.

ClinVar aggregate classification (germline): Pathogenic (1 of 4 stars; one submission).

Conditions:
Acrocallosal syndrome (ACLS). Also called: HALLUX DUPLICATION, POSTAXIAL POLYDACTYLY, AND ABSENCE OF CORPUS CALLOSUM; Schinzel syndrome 1; Absence of corpus callosum with unusual facial appearance, mental deficiency, duplication of the halluces and polydactyly. Identifiers: Orphanet 36, MedGen C0796147, MONDO:0008708, OMIM 200990.

Submission:

Labcorp Genetics (formerly Invitae), Labcorp
Classification: Pathogenic for Acrocallosal syndrome. Last evaluated: 2021-09-09. Review status: criteria provided, single submitter. Criteria: Invitae Variant Classification Sherloc (09022015). Collection method: clinical testing. Allele origin: germline.
Comment: For these reasons, this variant has been classified as Pathogenic. This variant has not been reported in the literature in individuals affected with KIF7-related conditions. This variant is not present in population databases (ExAC no frequency). This sequence change creates a premature translational stop signal (p.Asn1083Lysfs*23) in the KIF7 gene. It is expected to result in an absent or disrupted protein product. Loss-of-function variants in KIF7 are known to be pathogenic (PMID: 19666503, 21552264, 21633164, 26648833).

Literature cited by the submitters: PubMed 19666503; PubMed 21552264; PubMed 21633164; PubMed 26648833.